The following is an entry in ClinVar:

ClinVar aggregate classification (germline): Uncertain significance (1 of 4 stars; one submission).

Allele frequency attached by ClinVar (database versions not stated): gnomAD exomes below 0.00001.
gnomAD v4.1: 3 of 1,561,942 alleles (0.00019%); highest among the groups gnomAD compares: Non-Finnish European, 0.00026%; no homozygotes.

Submission:

Labcorp Genetics (formerly Invitae), Labcorp
Classification: Uncertain significance. Last evaluated: 2022-04-11. Review status: criteria provided, single submitter. Criteria: Invitae Variant Classification Sherloc (09022015). Collection method: clinical testing. Allele origin: germline.
Comment: This sequence change affects a donor splice site in intron 14 of the PEPD gene. While this variant is not anticipated to result in nonsense mediated decay, it likely alters RNA splicing and results in a disrupted protein product. The frequency data for this variant in the population databases is considered unreliable, as metrics indicate poor data quality at this position in the gnomAD database. This variant has not been reported in the literature in individuals affected with PEPD-related conditions. Variants that disrupt the consensus splice site are a relatively common cause of aberrant splicing (PMID: 17576681, 9536098). Algorithms developed to predict the effect of sequence changes on RNA splicing suggest that this variant may disrupt the consensus splice site. In summary, the available evidence is currently insufficient to determine the role of this variant in disease. Therefore, it has been classified as a Variant of Uncertain Significance.

Literature cited by the submitters: PubMed 17576681; PubMed 9536098.

NM_000285.4(PEPD):c.1344+1G>A

Gene: PEPD (peptidase D; minus strand). Cytogenetic location: 19q13.11.
Variant type: single nucleotide variant.
Coding change: c.1344+1G>A on transcript NM_000285.4 (MANE Select); the canonical splice donor site of the intron after coding-DNA position 1344, G replaced by A.
Molecular consequence: splice donor variant.
Genome position (GRCh38, 1-based): chr19:33,387,889, C>T on the plus strand (G>A on the coding strand, the complement: PEPD is on the minus strand). VCF-style: chr19-33387889-C-T. GRCh37 (hg19) VCF-style: chr19-33878795-C-T.
Other names: c.1152+1G>A (NM_001166057.2); c.1221+1G>A (NM_001166056.2).
Identifiers: ClinVar variation 2124789 (VCV002124789.1), dbSNP rs1167014714, ClinGen allele CA405220120.